The following is an entry in ClinVar:

ClinVar aggregate classification (germline): Likely pathogenic (1 of 4 stars; one submission).

Conditions:
Autosomal recessive distal spinal muscular atrophy 1. Also called: SEVERE INFANTILE AXONAL NEUROPATHY WITH RESPIRATORY FAILURE; SPINAL MUSCULAR ATROPHY, DIAPHRAGMATIC; Spinal muscular atrophy with respiratory distress 1; NEURONOPATHY, DISTAL HEREDITARY MOTOR, HARDING TYPE VI; NEUROPATHY, DISTAL HEREDITARY MOTOR, AUTOSOMAL RECESSIVE 1; HMN VI. Identifiers: Orphanet 98920, MedGen C1858517, MONDO:0011436, OMIM 604320.
Charcot-Marie-Tooth disease axonal type 2S. Also called: CHARCOT-MARIE-TOOTH DISEASE, AXONAL, AUTOSOMAL RECESSIVE, TYPE 2S; CHARCOT-MARIE-TOOTH NEUROPATHY, TYPE 2S. Identifiers: Orphanet 443073, MedGen C4015349, MONDO:0014511, OMIM 616155.

Allele frequency attached by ClinVar (database versions not stated): gnomAD exomes below 0.00001.
gnomAD v4.1: 4 of 1,611,778 alleles (0.00025%); highest among the groups gnomAD compares: Non-Finnish European, 0.00017%; no homozygotes.

Submission:

Labcorp Genetics (formerly Invitae), Labcorp
Classification: Likely pathogenic for Autosomal recessive distal spinal muscular atrophy 1; Charcot-Marie-Tooth disease axonal type 2S. Last evaluated: 2022-03-09. Review status: criteria provided, single submitter. Criteria: Invitae Variant Classification Sherloc (09022015). Collection method: clinical testing. Allele origin: germline.
Comment: This variant has not been reported in the literature in individuals affected with IGHMBP2-related conditions. This sequence change affects an acceptor splice site in intron 8 of the IGHMBP2 gene. It is expected to disrupt RNA splicing. Variants that disrupt the donor or acceptor splice site typically lead to a loss of protein function (PMID: 16199547), and loss-of-function variants in IGHMBP2 are known to be pathogenic (PMID: 14681881, 25439726, 25568292). This variant is not present in population databases (gnomAD no frequency). ClinVar contains an entry for this variant (Variation ID: 968421). Algorithms developed to predict the effect of sequence changes on RNA splicing suggest that this variant may disrupt the consensus splice site. In summary, the currently available evidence indicates that the variant is pathogenic, but additional data are needed to prove that conclusively. Therefore, this variant has been classified as Likely Pathogenic.

Literature cited by the submitters: PubMed 16199547; PubMed 14681881; PubMed 25439726; PubMed 25568292.

NM_002180.3(IGHMBP2):c.1236-1G>T

Gene: IGHMBP2 (immunoglobulin mu DNA binding protein 2; plus strand). Cytogenetic location: 11q13.3.
Variant type: single nucleotide variant.
Coding change: c.1236-1G>T on transcript NM_002180.3 (MANE Select); the canonical splice acceptor site of the intron before coding-DNA position 1236, G replaced by T.
Molecular consequence: splice acceptor variant.
Genome position (GRCh38, 1-based): chr11:68,933,298, G>T. VCF-style: chr11-68933298-G-T. GRCh37 (hg19) VCF-style: chr11-68700766-G-T.
Identifiers: ClinVar variation 968421 (VCV000968421.8), dbSNP rs1124336, ClinGen allele CA381648529.